The following is an entry in ClinVar:

ClinVar aggregate classification (germline): Uncertain significance. Review status: criteria provided, multiple submitters, no conflicts (2 of 4 stars). 2 submissions from 2 submitters: Uncertain significance (2). Last evaluated 2023-02-24.

Conditions:
Immunodeficiency, common variable, 12 (CVID12). Also called: IMMUNODEFICIENCY, COMMON VARIABLE, 12, WITH AUTOIMMUNITY; NFKB1 DEFICIENCY. Identifiers: Orphanet 1572, Orphanet 696874, MedGen C4225277, MONDO:0014697, OMIM 616576.

Allele frequency attached by ClinVar (database versions not stated): gnomAD exomes below 0.00001; TOPMed below 0.00001.

Submissions (2):

ARUP Laboratories, Molecular Genetics and Genomics, ARUP Laboratories
Classification: Uncertain significance for Immunodeficiency, common variable, 12. Last evaluated: 2023-02-24. Review status: criteria provided, single submitter. Criteria: ARUP Molecular Germline Variant Investigation Process 2024. Collection method: clinical testing. Allele origin: germline.
Comment: The NFKB1 c.1976C>T; p.Ala659Val variant (rs969568429), to our knowledge, is not reported in the medical literature but is reported in ClinVar (Variation ID: 1327360). This variant is absent from the Genome Aggregation Database, indicating it is not a common polymorphism. Computational analyses are uncertain whether this variant is neutral or deleterious (REVEL: 0.421). Due to limited information, the clinical significance of this variant is uncertain at this time.

GeneDx
Classification: Uncertain significance. Last evaluated: 2021-06-01. Review status: criteria provided, single submitter. Criteria: GeneDx Variant Classification Process June 2021. Collection method: clinical testing. Allele origin: germline. Affected: yes.
Comment: Has not been previously published as pathogenic or benign to our knowledge; Not observed at significant frequency in large population cohorts (Lek et al., 2016); In silico analysis supports that this missense variant has a deleterious effect on protein structure/function; This variant is associated with the following publications: (PMID: 27535533)

NM_003998.4(NFKB1):c.1976C>T (p.Ala659Val)

Gene: NFKB1 (nuclear factor kappa B subunit 1; plus strand). Cytogenetic location: 4q24.
Variant type: single nucleotide variant.
Coding change: c.1976C>T on transcript NM_003998.4 (MANE Select); coding-DNA position 1976, C replaced by T.
Protein change: p.Ala659Val; replaces alanine 659 with valine.
Molecular consequence: missense variant.
Genome position (GRCh38, 1-based): chr4:102,607,171, C>T. VCF-style: chr4-102607171-C-T. GRCh37 (hg19) VCF-style: chr4-103528328-C-T.
Other names: c.1973C>T, p.Ala658Val (NM_001165412.2, NM_001319226.2, NM_001382627.1); c.1976C>T, p.Ala659Val (NM_001382625.1, NM_001382626.1); c.1934C>T, p.Ala645Val (NM_001382628.1); short protein forms A645V, A658V, A659V.
Identifiers: ClinVar variation 1327360 (VCV001327360.3), dbSNP rs969568429, ClinGen allele CA102686858.